The following is an entry in ClinVar:

NM_025074.7(FRAS1):c.10389G>A (p.Gln3463=)

Gene: FRAS1 (Fraser extracellular matrix complex subunit 1; plus strand). Cytogenetic location: 4q21.21.
Variant type: single nucleotide variant.
Coding change: c.10389G>A on transcript NM_025074.7 (MANE Select); coding-DNA position 10389, G replaced by A.
Protein change: p.Gln3463=; no amino-acid change (glutamine 3463 retained).
Molecular consequence: synonymous variant.
Genome position (GRCh38, 1-based): chr4:78,516,013, G>A. VCF-style: chr4-78516013-G-A. GRCh37 (hg19) VCF-style: chr4-79437167-G-A.
Other names: c.10389G>A (NM_025074.6).
Identifiers: ClinVar variation 1415194 (VCV001415194.7), dbSNP rs757163658, ClinGen allele CA2978934.
Genomic context (GRCh38, chr4:78,516,013, plus strand): 5'-TTATTATGACATGACTGAGCTGATTGACGTCTGTGGGGGCTCTGTAACCGCTGACTTCCA[G>A]GTAGGTGCCCCGGGGCTTGTCTGAGGACTCTGCATATGGGTGCCATGGTCAACCTTGTTT-3'
Protein context (NP_079350.5, residues 3453-3473): VCGGSVTADF[Gln3463=]VRDSAQSFLT

ClinVar aggregate classification (germline): Uncertain significance. Review status: criteria provided, multiple submitters, no conflicts (2 of 4 stars). 3 submissions from 3 submitters: Uncertain significance (2). 1 of the submissions does not count toward it. Last evaluated 2021-12-15.

Conditions:
FRAS1-related disorder. Also called: FRAS1-related condition.
Fraser syndrome 1 (FRASRS1). Also called: CRYPTOPHTHALMOS WITH OTHER MALFORMATIONS. Identifiers: Orphanet 2052, MedGen C4551480, MONDO:0054737, OMIM 219000.

Allele frequency attached by ClinVar (database versions not stated): gnomAD exomes 0.00002 and 0.00012; ExAC 0.00011.
gnomAD v4.1: 36 of 1,611,674 alleles (0.0022%); highest among the groups gnomAD compares: Admixed American, 0.057%; no homozygotes.

Submissions (4):

Fulgent Genetics
Classification: Uncertain significance for Fraser syndrome 1. Last evaluated: 2021-12-15. Review status: criteria provided, single submitter. Criteria: ACMG Guidelines, 2015. Collection method: clinical testing. Allele origin: unknown.

Labcorp Genetics (formerly Invitae), Labcorp
Classification: Uncertain significance. Last evaluated: 2021-05-09. Review status: criteria provided, single submitter. Criteria: Invitae Variant Classification Sherloc (09022015). Collection method: clinical testing. Allele origin: germline.
Comment: This sequence change affects codon 3463 of the FRAS1 mRNA. It is a 'silent' change, meaning that it does not change the encoded amino acid sequence of the FRAS1 protein. This variant also falls at the last nucleotide of exon 66, which is part of the consensus splice site for this exon. This variant is present in population databases (rs757163658, ExAC 0.1%). This variant has not been reported in the literature in individuals with FRAS1-related conditions. Nucleotide substitutions within the consensus splice site are a relatively common cause of aberrant splicing (PMID: 17576681, 9536098). Algorithms developed to predict the effect of sequence changes on RNA splicing suggest that this variant may disrupt the consensus splice site, but this prediction has not been confirmed by published transcriptional studies. In summary, the available evidence is currently insufficient to determine the role of this variant in disease. Therefore, it has been classified as a Variant of Uncertain Significance.

PreventionGenetics, part of Exact Sciences
Classification: Likely benign for FRAS1-related condition. Last evaluated: 2023-10-11. Review status: no assertion criteria provided. Collection method: clinical testing. Allele origin: germline. Not counted in ClinVar's aggregate classification.
Comment: This variant is classified as likely benign based on ACMG/AMP sequence variant interpretation guidelines (Richards et al. 2015 PMID: 25741868, with internal and published modifications).

Dr. Peter K. Rogan Lab, Western University
No classification provided (evidence only). Condition: Ovarian serous cystadenocarcinoma. Review status: no classification provided. Collection method: in vitro. Allele origin: not applicable. Functional consequence: retained intron. Not counted in ClinVar's aggregate classification.

Literature cited by the submitters: PubMed 17576681 (cited by Labcorp Genetics (formerly Invitae), Labcorp); PubMed 9536098 (cited by Labcorp Genetics (formerly Invitae), Labcorp).